The following is an entry in ClinVar:

ClinVar aggregate classification (germline): Uncertain significance (1 of 4 stars; one submission).

Allele frequency attached by ClinVar (database versions not stated): gnomAD 0.00003 and 0.00004; TOPMed 0.00003; ExAC 0.00004; gnomAD exomes 0.00006 and 0.00007; ESP Exome Variant Server 0.00008; 1000 Genomes Project 30x 0.00031.
gnomAD v4.1: 102 of 1,612,832 alleles (0.0063%); highest among the groups gnomAD compares: Middle Eastern, 0.017%; no homozygotes.

Submission:

Labcorp Genetics (formerly Invitae), Labcorp
Classification: Uncertain significance. Last evaluated: 2024-12-31. Review status: criteria provided, single submitter. Criteria: Invitae Variant Classification Sherloc (09022015). Collection method: clinical testing. Allele origin: germline.
Comment: This sequence change replaces arginine, which is basic and polar, with tryptophan, which is neutral and slightly polar, at codon 2258 of the MYO18B protein (p.Arg2258Trp). This variant is present in population databases (rs368571524, gnomAD 0.03%). This variant has not been reported in the literature in individuals affected with MYO18B-related conditions. ClinVar contains an entry for this variant (Variation ID: 1366418). An algorithm developed to predict the effect of missense changes on protein structure and function (PolyPhen-2) suggests that this variant is likely to be disruptive. In summary, the available evidence is currently insufficient to determine the role of this variant in disease. Therefore, it has been classified as a Variant of Uncertain Significance.

NM_032608.7(MYO18B):c.6772C>T (p.Arg2258Trp)

Gene: MYO18B (myosin XVIIIB; plus strand). Cytogenetic location: 22q12.1.
Variant type: single nucleotide variant.
Coding change: c.6772C>T on transcript NM_032608.7 (MANE Select); coding-DNA position 6772, C replaced by T.
Protein change: p.Arg2258Trp; replaces arginine 2258 with tryptophan.
Molecular consequence: missense variant.
Genome position (GRCh38, 1-based): chr22:26,026,746, C>T. VCF-style: chr22-26026746-C-T. GRCh37 (hg19) VCF-style: chr22-26422712-C-T.
Other names: c.6775C>T, p.Arg2259Trp (NM_001318245.2); short protein forms R2259W, R2258W.
Identifiers: ClinVar variation 1366418 (VCV001366418.4), dbSNP rs368571524, ClinGen allele CA10161611.